The following is an entry in ClinVar:

ClinVar aggregate classification (germline): Uncertain significance (1 of 4 stars; one submission).

Conditions:
Wiskott-Aldrich syndrome 2 (WAS2). Also called: WIPF1 DEFICIENCY. Identifiers: Orphanet 906, MedGen C3281001, MONDO:0013779, OMIM 614493.

Submission:

Labcorp Genetics (formerly Invitae), Labcorp
Classification: Uncertain significance for Wiskott-Aldrich syndrome 2. Last evaluated: 2022-06-07. Review status: criteria provided, single submitter. Criteria: Invitae Variant Classification Sherloc (09022015). Collection method: clinical testing. Allele origin: germline.
Comment: This sequence change replaces proline, which is neutral and non-polar, with arginine, which is basic and polar, at codon 428 of the WIPF1 protein (p.Pro428Arg). This variant is not present in population databases (gnomAD no frequency). This variant has not been reported in the literature in individuals affected with WIPF1-related conditions. Algorithms developed to predict the effect of missense changes on protein structure and function are either unavailable or do not agree on the potential impact of this missense change (SIFT: "Not Available"; PolyPhen-2: "Possibly Damaging"; Align-GVGD: "Not Available"). In summary, the available evidence is currently insufficient to determine the role of this variant in disease. Therefore, it has been classified as a Variant of Uncertain Significance.

NM_001375834.1(WIPF1):c.1283C>G (p.Pro428Arg)

Gene: WIPF1 (WAS/WASL interacting protein family member 1; minus strand). Cytogenetic location: 2q31.1.
Variant type: single nucleotide variant.
Coding change: c.1283C>G on transcript NM_001375834.1 (MANE Select); coding-DNA position 1283, C replaced by G.
Protein change: p.Pro428Arg; replaces proline 428 with arginine.
Molecular consequence: missense variant.
Genome position (GRCh38, 1-based): chr2:174,567,920, G>C on the plus strand (C>G on the coding strand, the complement: WIPF1 is on the minus strand). VCF-style: chr2-174567920-G-C. GRCh37 (hg19) VCF-style: chr2-175432648-G-C.
Other names: c.1283C>G, p.Pro428Arg (NM_001077269.1, NM_001375832.1, NM_001375833.1 and 2 more transcripts); c.905C>G, p.Pro302Arg (NM_001375839.1); short protein forms P302R, P428R.
Identifiers: ClinVar variation 2003075 (VCV002003075.4), dbSNP rs2468457327, ClinGen allele CA349336652.